The following is an entry in ClinVar:

NM_000388.4(CASR):c.974G>A (p.Gly325Glu)

Gene: CASR (calcium sensing receptor; plus strand). Cytogenetic location: 3q21.1.
Variant type: single nucleotide variant.
Coding change: c.974G>A on transcript NM_000388.4 (MANE Select); coding-DNA position 974, G replaced by A.
Protein change: p.Gly325Glu; replaces glycine 325 with glutamic acid.
Molecular consequence: missense variant.
Genome position (GRCh38, 1-based): chr3:122,262,009, G>A. VCF-style: chr3-122262009-G-A. GRCh37 (hg19) VCF-style: chr3-121980856-G-A.
Other names: c.974G>A, p.Gly325Glu (NM_001178065.2); short protein forms G325E.
Identifiers: ClinVar variation 35803 (VCV000035803.4), dbSNP rs193922444, ClinGen allele CA213606.

ClinVar aggregate classification (germline): Conflicting classifications of pathogenicity. Review status: criteria provided, conflicting classifications (1 of 4 stars). 2 submissions from 2 submitters: Likely pathogenic (1); Uncertain significance (1). Last evaluated 2024-07-15.

Conditions:
Hypercalcemia. Also called: hypercalcaemia. Identifiers: MedGen C0020437, MONDO:0001566, HP:0003072.
Familial hypocalciuric hypercalcemia (FHH). Also called: Familial benign hypercalcemia. Identifiers: Orphanet 405, MedGen C1809471, MONDO:0018458.

Allele frequency attached by ClinVar (database versions not stated): TOPMed 0.00001; gnomAD 0.00001.
gnomAD v4.1: 1 of 1,614,060 alleles (0.000062%); highest among the groups gnomAD compares: African/African-American, 0.0013%; no homozygotes.

Submissions (2):

Clinical Genetics Laboratory, Skane University Hospital Lund
Classification: Uncertain significance for Hypercalcemia. Last evaluated: 2024-07-15. Review status: criteria provided, single submitter. Criteria: ACMG Guidelines, 2015. Collection method: clinical testing. Allele origin: germline. Affected: yes.
Comment: PM2, PP3, PP4

Women's Health and Genetics/Laboratory Corporation of America, LabCorp
Classification: Likely pathogenic for Familial Hypocalciuric Hypercalcemia. Last evaluated: 2011-08-18. Review status: criteria provided, single submitter. Criteria: LabCorp Variant Classification Summary - May 2015. Collection method: curation, clinical testing. Allele origin: germline. Inheritance: autosomal unknown. Affected: yes.
ClinVar note: Converted during submission from likely pathogenic to Likely pathogenic.